The following is an entry in ClinVar:

ClinVar aggregate classification (germline): Pathogenic/Likely pathogenic. Review status: criteria provided, multiple submitters, no conflicts (2 of 4 stars). 2 submissions from 2 submitters: Pathogenic (1); Likely pathogenic (1). Last evaluated 2025-10-13.

Conditions:
SMAD2-related disorder. Also called: SMAD2-related condition; SMAD2-related disorders.

Submissions (2):

Labcorp Genetics (formerly Invitae), Labcorp
Classification: Pathogenic. Last evaluated: 2025-10-13. Review status: criteria provided, single submitter. Criteria: Invitae Variant Classification Sherloc (09022015). Collection method: clinical testing. Allele origin: germline.
Comment: This sequence change creates a premature translational stop signal (p.Gln264*) in the SMAD2 gene. It is expected to result in an absent or disrupted protein product. Loss-of-function variants in SMAD2 are known to be pathogenic (PMID: 30157302, 40028843). This variant is not present in population databases (gnomAD no frequency). This premature translational stop signal has been observed in individual(s) with aortic root dilation (internal data). ClinVar contains an entry for this variant (Variation ID: 989327). For these reasons, this variant has been classified as Pathogenic.

Illumina Laboratory Services, Illumina
Classification: Likely pathogenic for SMAD2-related disorders. Last evaluated: 2019-05-31. Review status: criteria provided, single submitter. Criteria: ICSLVariantClassificationCriteria RUGD 01 April 2020. Collection method: clinical testing. Allele origin: unknown.
Comment: The SMAD2 c.790C>T (p.Gln264Ter) variant is a stop-gained variant that is predicted to result in a premature termination of the protein. A literature search was performed for the gene, cDNA change, and amino acid change. No publications were found based on this search. This variant is not found in the Genome Aggregation Database in a region of good sequence coverage, so the variant is presumed to be rare. The Gln264 residue is located in the linker region of the protein and protein truncation at this residue will delete the MH2 domain (Granadillo et al. 2018). The MH2 domain is responsible for interactions with SMAD-receptor, SMAD-SMAD, and SMAD-transcription factors. Based on the predicted truncating nature of the variant and its rarity, the p.Gln264Ter variant is classified as likely pathogenic for SMAD2-related disorders.

Literature cited by the submitters: PubMed 30157302 (cited by Labcorp Genetics (formerly Invitae), Labcorp and Illumina Laboratory Services, Illumina); PubMed 40028843 (cited by Labcorp Genetics (formerly Invitae), Labcorp).

NM_005901.6(SMAD2):c.790C>T (p.Gln264Ter)

Gene: SMAD2 (SMAD family member 2; minus strand). Cytogenetic location: 18q21.1.
Variant type: single nucleotide variant.
Coding change: c.790C>T on transcript NM_005901.6 (MANE Select); coding-DNA position 790, C replaced by T.
Protein change: p.Gln264Ter; replaces glutamine 264 with a stop codon.
Molecular consequence: nonsense.
Genome position (GRCh38, 1-based): chr18:47,848,682, G>A on the plus strand (C>T on the coding strand, the complement: SMAD2 is on the minus strand). VCF-style: chr18-47848682-G-A. GRCh37 (hg19) VCF-style: chr18-45375053-G-A.
Other names: c.790C>T, p.Gln264Ter (NM_001003652.4); c.700C>T, p.Gln234Ter (NM_001135937.3); short protein forms Q234*, Q264*.
Identifiers: ClinVar variation 989327 (VCV000989327.6), dbSNP rs1914769460, ClinGen allele CA402504698.
Genomic context (GRCh38, chr18:47,848,682, plus strand): 5'-GATTTAATTCATAATATGCTATCGAACACCAAAATGCAGGTTCTGAGTAAGTAACTGGCT[G>A]TAAATCTGAAAAAGAAAAAAATAAAAAAATAATAAAAGGAAGAAATGCGTGAACAATTCA-3'